The following is an entry in ClinVar:

NM_002458.3(MUC5B):c.1855C>T (p.Arg619Trp)

Gene: MUC5B (mucin 5B, oligomeric mucus/gel-forming; plus strand). Cytogenetic location: 11p15.5.
Variant type: single nucleotide variant.
Coding change: c.1855C>T on transcript NM_002458.3 (MANE Select); coding-DNA position 1855, C replaced by T.
Protein change: p.Arg619Trp; replaces arginine 619 with tryptophan.
Molecular consequence: missense variant.
Genome position (GRCh38, 1-based): chr11:1,232,461, C>T. VCF-style: chr11-1232461-C-T. GRCh37 (hg19) VCF-style: chr11-1253691-C-T.
Other names: short protein forms R619W.
Identifiers: ClinVar variation 3777856 (VCV003777856.7).

ClinVar aggregate classification (germline): Likely benign (1 of 4 stars; one submission).

gnomAD v4.1: 6,468 of 1,606,970 alleles (0.4%); highest among the groups gnomAD compares: Non-Finnish European, 0.5%; 13 homozygotes.

Submission:

CeGaT Center for Human Genetics Tuebingen
Classification: Likely benign. Last evaluated: 2026-06-01. Review status: criteria provided, single submitter. Criteria: CeGaT Center For Human Genetics Tuebingen Variant Classification Criteria Version 2. Collection method: clinical testing. Allele origin: germline. Affected: yes. Observed: 2 variant alleles.
Comment: MUC5B: BS2